The following is an entry in ClinVar:

NM_005422.4(TECTA):c.1905G>C (p.Gln635His)

Genes: TBCEL-TECTA (TBCEL-TECTA readthrough; plus strand), TECTA (tectorin alpha; plus strand). Cytogenetic location: 11q23.3.
Variant type: single nucleotide variant.
Coding change: c.1905G>C on transcript NM_005422.4 (MANE Select); coding-DNA position 1905, G replaced by C.
Protein change: p.Gln635His; replaces glutamine 635 with histidine.
Molecular consequence: missense variant.
Genome position (GRCh38, 1-based): chr11:121,127,882, G>C. VCF-style: chr11-121127882-G-C. GRCh37 (hg19) VCF-style: chr11-120998591-G-C.
Other names: c.2862G>C, p.Gln954His (NM_001378761.1); short protein forms Q635H, Q954H.
Identifiers: ClinVar variation 3630577 (VCV003630577.2).

ClinVar aggregate classification (germline): Uncertain significance (1 of 4 stars; one submission).

gnomAD v4.1: 2 of 1,614,078 alleles (0.00012%); highest among the groups gnomAD compares: African/African-American, 0.0027%; no homozygotes.

Submission:

Labcorp Genetics (formerly Invitae), Labcorp
Classification: Uncertain significance. Last evaluated: 2024-03-02. Review status: criteria provided, single submitter. Criteria: Invitae Variant Classification Sherloc (09022015). Collection method: clinical testing. Allele origin: germline.
Comment: This sequence change replaces glutamine, which is neutral and polar, with histidine, which is basic and polar, at codon 635 of the TECTA protein (p.Gln635His). This variant is not present in population databases (gnomAD no frequency). This variant has not been reported in the literature in individuals affected with TECTA-related conditions. Advanced modeling of protein sequence and biophysical properties (such as structural, functional, and spatial information, amino acid conservation, physicochemical variation, residue mobility, and thermodynamic stability) performed at Invitae indicates that this missense variant is not expected to disrupt TECTA protein function with a negative predictive value of 95%. In summary, the available evidence is currently insufficient to determine the role of this variant in disease. Therefore, it has been classified as a Variant of Uncertain Significance.